The following is an entry in ClinVar:

NM_004415.4(DSP):c.8389A>G (p.Ile2797Val)

Gene: DSP (desmoplakin; plus strand). Cytogenetic location: 6p24.3.
Variant type: single nucleotide variant.
Coding change: c.8389A>G on transcript NM_004415.4 (MANE Select); coding-DNA position 8389, A replaced by G.
Protein change: p.Ile2797Val; replaces isoleucine 2797 with valine.
Molecular consequence: missense variant.
Genome position (GRCh38, 1-based): chr6:7,585,651, A>G. VCF-style: chr6-7585651-A-G. GRCh37 (hg19) VCF-style: chr6-7585884-A-G.
Other names: c.6592A>G, p.Ile2198Val (NM_001008844.3); c.7060A>G, p.Ile2354Val (NM_001319034.2); short protein forms I2354V, I2198V, I2797V.
Identifiers: ClinVar variation 968775 (VCV000968775.8), dbSNP rs1040353645, ClinGen allele CA133977905.

ClinVar aggregate classification (germline): Conflicting classifications of pathogenicity. Review status: criteria provided, conflicting classifications (1 of 4 stars). 2 submissions from 2 submitters: Uncertain significance (1); Likely benign (1). Last evaluated 2024-10-23.

Conditions:
Cardiovascular phenotype. Identifiers: MedGen CN230736.
Arrhythmogenic cardiomyopathy with wooly hair and keratoderma. Also called: Carvajal syndrome; PALMOPLANTAR KERATODERMA WITH LEFT VENTRICULAR CARDIOMYOPATHY AND WOOLLY HAIR; Arrhythmogenic cardiomyopathy with woolly hair and keratoderma; Dilated cardiomyopathy with woolly hair and keratoderma. Identifiers: Orphanet 65282, MedGen C1854063, MONDO:0011581, OMIM 605676.
Arrhythmogenic right ventricular dysplasia 8 (ARVD8). Also called: Arrhythmogenic Right Ventricular Dysplasia/Cardiomyopathy 8; ARRHYTHMOGENIC RIGHT VENTRICULAR DYSPLASIA, FAMILIAL, 8; ARRHYTHMOGENIC RIGHT VENTRICULAR CARDIOMYOPATHY 8. Identifiers: MedGen C1843896, MONDO:0011831, OMIM 607450.

Allele frequency attached by ClinVar (database versions not stated): gnomAD exomes below 0.00001; gnomAD 0.00001; TOPMed 0.00002.
gnomAD v4.1: 6 of 1,614,136 alleles (0.00037%); highest among the groups gnomAD compares: South Asian, 0.0022%; no homozygotes.

Submissions (2):

Labcorp Genetics (formerly Invitae), Labcorp
Classification: Uncertain significance for Arrhythmogenic cardiomyopathy with wooly hair and keratoderma; Arrhythmogenic right ventricular dysplasia 8. Last evaluated: 2024-10-23. Review status: criteria provided, single submitter. Criteria: Invitae Variant Classification Sherloc (09022015). Collection method: clinical testing. Allele origin: germline.
Comment: This sequence change replaces isoleucine, which is neutral and non-polar, with valine, which is neutral and non-polar, at codon 2797 of the DSP protein (p.Ile2797Val). This variant is present in population databases (no rsID available, gnomAD 0.007%). This variant has not been reported in the literature in individuals affected with DSP-related conditions. ClinVar contains an entry for this variant (Variation ID: 968775). An algorithm developed to predict the effect of missense changes on protein structure and function outputs the following: PolyPhen-2: "Benign". The valine amino acid residue is found in multiple mammalian species, which suggests that this missense change does not adversely affect protein function. In summary, the available evidence is currently insufficient to determine the role of this variant in disease. Therefore, it has been classified as a Variant of Uncertain Significance.

Ambry Genetics
Classification: Likely benign for Cardiovascular phenotype. Last evaluated: 2024-10-01. Review status: criteria provided, single submitter. Criteria: Ambry Variant Classification Scheme 2023. Collection method: clinical testing. Allele origin: germline.

Literature cited by the submitters: PubMed 30847666 (cited by Ambry Genetics).